The following is an entry in ClinVar:

ClinVar aggregate classification (germline): Uncertain significance. Review status: criteria provided, multiple submitters, no conflicts (2 of 4 stars). 2 submissions from 2 submitters: Uncertain significance (2). Last evaluated 2024-09-24.

Conditions:
Cardiovascular phenotype. Identifiers: MedGen CN230736.

gnomAD v4.1: 1 of 1,613,280 alleles (0.000062%); highest among the groups gnomAD compares: Non-Finnish European, 0.000085%; no homozygotes.

Submissions (2):

GeneDx
Classification: Uncertain significance. Last evaluated: 2024-09-24. Review status: criteria provided, single submitter. Criteria: GeneDx Variant Classification Process June 2021. Collection method: clinical testing. Allele origin: germline. Affected: yes.
Comment: Not observed at significant frequency in large population cohorts (gnomAD); In silico analysis supports that this missense variant has a deleterious effect on protein structure/function; Has not been previously published as pathogenic or benign to our knowledge

Ambry Genetics
Classification: Uncertain significance for Cardiovascular phenotype. Last evaluated: 2024-06-16. Review status: criteria provided, single submitter. Criteria: Ambry Variant Classification Scheme 2023. Collection method: clinical testing. Allele origin: germline.
Comment: The p.A41G variant (also known as c.122C>G), located in coding exon 2 of the ANK2 gene, results from a C to G substitution at nucleotide position 122. The alanine at codon 41 is replaced by glycine, an amino acid with similar properties. This amino acid position is conserved. In addition, the in silico prediction for this alteration is inconclusive. Based on the available evidence, the clinical significance of this variant remains unclear.

NM_001148.6(ANK2):c.122C>G (p.Ala41Gly)

Gene: ANK2 (ankyrin 2; plus strand). Cytogenetic location: 4q25.
Variant type: single nucleotide variant.
Coding change: c.122C>G on transcript NM_001148.6 (MANE Select); coding-DNA position 122, C replaced by G.
Protein change: p.Ala41Gly; replaces alanine 41 with glycine.
Molecular consequence: missense variant.
Genome position (GRCh38, 1-based): chr4:113,174,453, C>G. VCF-style: chr4-113174453-C-G. GRCh37 (hg19) VCF-style: chr4-114095609-C-G.
Other names: c.59C>G, p.Ala20Gly (NM_001127493.3, NM_001354239.2, NM_001354243.2 and 33 more transcripts); c.122C>G, p.Ala41Gly (NM_001354225.2, NM_001354228.2, NM_001354232.2 and 9 more transcripts); c.167C>G, p.Ala56Gly (NM_001354230.2, NM_001354231.2, NM_001354237.2 and 5 more transcripts); c.104C>G, p.Ala35Gly (NM_001354261.2, NM_001386147.1, NM_001386160.1); c.110C>G, p.Ala37Gly (NM_001354269.3, NM_001386148.2, NM_001386186.2 and 1 more transcripts); c.173C>G, p.Ala58Gly (NM_001386174.1, NM_001386175.1); short protein forms A35G, A56G, A37G, A58G, A20G, A41G.
Identifiers: ClinVar variation 3295075 (VCV003295075.2).